The following is an entry in ClinVar:

ClinVar aggregate classification (germline): Uncertain significance. Review status: criteria provided, multiple submitters, no conflicts (2 of 4 stars). 2 submissions from 2 submitters: Uncertain significance (2). Last evaluated 2025-08-10.

Conditions:
Leukodystrophy and acquired microcephaly with or without dystonia;. Also called: Leukodystrophy and acquired microcephaly with or without dystonia. Identifiers: MedGen C4225213, MONDO:0014766, OMIM 616763.

Allele frequency attached by ClinVar (database versions not stated): ExAC 0.00015; 1000 Genomes Project 0.00060; 1000 Genomes Project 30x 0.00062.
gnomAD v4.1: 161 of 1,613,942 alleles (0.01%); highest among the groups gnomAD compares: South Asian, 0.15%; 1 homozygote.

Submissions (2):

Ambry Genetics
Classification: Uncertain significance. Last evaluated: 2025-08-10. Review status: criteria provided, single submitter. Criteria: Ambry Variant Classification Scheme 2023. Collection method: clinical testing. Allele origin: germline.

Neuberg Centre For Genomic Medicine, NCGM
Classification: Uncertain significance for Leukodystrophy and acquired microcephaly with or without dystonia;. Review status: criteria provided, single submitter. Criteria: ACMG Guidelines, 2015. Collection method: clinical testing. Allele origin: germline. Inheritance: Autosomal recessive inheritance. Affected: yes.
Comment: The c.1570C>G (p.Pro524Ala) missense variant in PLEKHG2 gene has not been reported previously as a pathogenic variant nor as a benign variant, to our knowledge. This variant is reported with a high allele frequency (0.01%) in the gnomAD and novel in 1000 genome database. The amino acid Pro at position 524 is changed to a Ala changing protein sequence and it might alter its composition and physico-chemical properties. For these reasons, this variant has been classified as Variant of Uncertain Significance (VUS).

NM_022835.3(PLEKHG2):c.1570C>G (p.Pro524Ala)

Gene: PLEKHG2 (pleckstrin homology and RhoGEF domain containing G2; plus strand). Cytogenetic location: 19q13.2.
Variant type: single nucleotide variant.
Coding change: c.1570C>G on transcript NM_022835.3 (MANE Select); coding-DNA position 1570, C replaced by G.
Protein change: p.Pro524Ala; replaces proline 524 with alanine.
Molecular consequence: missense variant.
Genome position (GRCh38, 1-based): chr19:39,422,181, C>G. VCF-style: chr19-39422181-C-G. GRCh37 (hg19) VCF-style: chr19-39912821-C-G.
Other names: c.1393C>G, p.Pro465Ala (NM_001351693.2); c.1570C>G, p.Pro524Ala (NM_001351694.2); short protein forms P465A, P524A.
Identifiers: ClinVar variation 2516466 (VCV002516466.3), dbSNP rs540027705, ClinGen allele CA9429592.